The following is an entry in ClinVar:

NM_000388.4(CASR):c.2954A>C (p.Asn985Thr)

Gene: CASR (calcium sensing receptor; plus strand). Cytogenetic location: 3q21.1.
Variant type: single nucleotide variant.
Coding change: c.2954A>C on transcript NM_000388.4 (MANE Select); coding-DNA position 2954, A replaced by C.
Protein change: p.Asn985Thr; replaces asparagine 985 with threonine.
Molecular consequence: missense variant.
Genome position (GRCh38, 1-based): chr3:122,284,908, A>C. VCF-style: chr3-122284908-A-C. GRCh37 (hg19) VCF-style: chr3-122003755-A-C.
Other names: c.2984A>C, p.Asn995Thr (NM_001178065.2); short protein forms N985T, N995T.
Identifiers: ClinVar variation 1798091 (VCV001798091.2), dbSNP rs760226100, ClinGen allele CA2569897.
Genomic context (GRCh38, chr3:122,284,908, plus strand): 5'-AGGTCATCTTTGGCAGCGGCACGGTCACCTTCTCACTGAGCTTTGATGAGCCTCAGAAGA[A>C]CGCCATGGCCCACAGGAATTCTACGCACCAGAACTCCCTGGAGGCCCAGAAAAGCAGCGA-3'
Protein context (NP_000379.3, residues 975-995): FSLSFDEPQK[Asn985Thr]AMAHRNSTHQ

ClinVar aggregate classification (germline): Uncertain significance (1 of 4 stars; one submission).

Conditions:
Nephrolithiasis/nephrocalcinosis. Identifiers: MedGen CN580796.

Allele frequency attached by ClinVar (database versions not stated): ExAC 0.00001; gnomAD exomes 0.00001.

Submission:

Ambry Genetics
Classification: Uncertain significance for Nephrolithiasis/nephrocalcinosis. Last evaluated: 2021-09-21. Review status: criteria provided, single submitter. Criteria: Ambry Variant Classification Scheme 2023. Collection method: clinical testing. Allele origin: germline.
Comment: The p.N985T variant (also known as c.2954A>C), located in coding exon 6 of the CASR gene, results from an A to C substitution at nucleotide position 2954. The asparagine at codon 985 is replaced by threonine, an amino acid with similar properties. This amino acid position is conserved. In addition, this alteration is predicted to be tolerated by in silico analysis. Since supporting evidence is limited at this time, the clinical significance of this alteration remains unclear.